The following is an entry in ClinVar:

NM_000370.3(TTPA):c.337A>G (p.Lys113Glu)

Gene: TTPA (alpha tocopherol transfer protein; minus strand). Cytogenetic location: 8q12.3.
Variant type: single nucleotide variant.
Coding change: c.337A>G on transcript NM_000370.3 (MANE Select); coding-DNA position 337, A replaced by G.
Protein change: p.Lys113Glu; replaces lysine 113 with glutamic acid.
Molecular consequence: missense variant.
Genome position (GRCh38, 1-based): chr8:63,072,956, T>C on the plus strand (A>G on the coding strand, the complement: TTPA is on the minus strand). VCF-style: chr8-63072956-T-C. GRCh37 (hg19) VCF-style: chr8-63985515-T-C.
Other names: c.337A>G, p.Lys113Glu (NM_001413415.1, NM_001413416.1, NM_001413418.1); short protein forms K113E.
Identifiers: ClinVar variation 2094595 (VCV002094595.4), dbSNP rs2487165088, ClinGen allele CA371333693.
Genomic context (GRCh38, chr8:63,072,956, plus strand): 5'-GAGGAGAGGAGAAAAAAAAAAGAGTTGTGTATGACTTACCGATTCTGTAAATAAGAACTT[T>C]GCTGCCAGTGGGATCCCTGGATCTCAGGACTCCATGGTAGCCAGCCTTTAGGAGGCCAAT-3'
Protein context (NP_000361.1, residues 103-123): VLRSRDPTGS[Lys113Glu]VLIYRIAHWD

ClinVar aggregate classification (germline): Uncertain significance (1 of 4 stars; one submission).

Submission:

Labcorp Genetics (formerly Invitae), Labcorp
Classification: Uncertain significance. Last evaluated: 2022-10-19. Review status: criteria provided, single submitter. Criteria: Invitae Variant Classification Sherloc (09022015). Collection method: clinical testing. Allele origin: germline.
Comment: This sequence change replaces lysine, which is basic and polar, with glutamic acid, which is acidic and polar, at codon 113 of the TTPA protein (p.Lys113Glu). This variant is not present in population databases (gnomAD no frequency). This variant has not been reported in the literature in individuals affected with TTPA-related conditions. Advanced modeling of protein sequence and biophysical properties (such as structural, functional, and spatial information, amino acid conservation, physicochemical variation, residue mobility, and thermodynamic stability) has been performed at Invitae for this missense variant, however the output from this modeling did not meet the statistical confidence thresholds required to predict the impact of this variant on TTPA protein function. In summary, the available evidence is currently insufficient to determine the role of this variant in disease. Therefore, it has been classified as a Variant of Uncertain Significance.